The following is an entry in ClinVar:

NM_015474.4(SAMHD1):c.1285G>T (p.Glu429Ter)

Gene: SAMHD1 (SAM and HD domain containing deoxynucleoside triphosphate triphosphohydrolase 1; minus strand). Cytogenetic location: 20q11.23.
Variant type: single nucleotide variant.
Coding change: c.1285G>T on transcript NM_015474.4 (MANE Select); coding-DNA position 1285, G replaced by T.
Protein change: p.Glu429Ter; replaces glutamic acid 429 with a stop codon.
Molecular consequence: nonsense.
Genome position (GRCh38, 1-based): chr20:36,905,489, C>A on the plus strand (G>T on the coding strand, the complement: SAMHD1 is on the minus strand). VCF-style: chr20-36905489-C-A. GRCh37 (hg19) VCF-style: chr20-35533892-C-A.
Other names: c.1285G>T, p.Glu429Ter (NM_001363729.2, NM_001363733.2); short protein forms E429*.
Identifiers: ClinVar variation 4714233 (VCV004714233.1).

ClinVar aggregate classification (germline): Pathogenic (1 of 4 stars; one submission).

Conditions:
Aicardi-Goutieres syndrome 5. Identifiers: Orphanet 51, MedGen C2749659, MONDO:0013059, OMIM 612952.

Submission:

Labcorp Genetics (formerly Invitae), Labcorp
Classification: Pathogenic for Aicardi-Goutieres syndrome 5. Last evaluated: 2025-03-04. Review status: criteria provided, single submitter. Criteria: Invitae Variant Classification Sherloc (09022015). Collection method: clinical testing. Allele origin: germline.
Comment: This sequence change creates a premature translational stop signal (p.Glu429*) in the SAMHD1 gene. It is expected to result in an absent or disrupted protein product. Loss-of-function variants in SAMHD1 are known to be pathogenic (PMID: 19525956, 22461318). This variant is not present in population databases (gnomAD no frequency). This variant has not been reported in the literature in individuals affected with SAMHD1-related conditions. Algorithms developed to predict the effect of sequence changes on RNA splicing suggest that this variant may disrupt the consensus splice site. For these reasons, this variant has been classified as Pathogenic.

Literature cited by the submitters: PubMed 19525956; PubMed 22461318.